The following is an entry in ClinVar:

ClinVar aggregate classification (germline): Uncertain significance (1 of 4 stars; one submission).

Conditions:
Long QT syndrome (LQTS). Identifiers: MedGen C0023976, MeSH D008133, MONDO:0002442. Disease mechanism: loss of function. Inheritance: Various modes of inheritance.

Submission:

Labcorp Genetics (formerly Invitae), Labcorp
Classification: Uncertain significance for Long QT syndrome. Last evaluated: 2022-08-10. Review status: criteria provided, single submitter. Criteria: Invitae Variant Classification Sherloc (09022015). Collection method: clinical testing. Allele origin: germline.
Comment: In summary, the available evidence is currently insufficient to determine the role of this variant in disease. Therefore, it has been classified as a Variant of Uncertain Significance. Algorithms developed to predict the effect of missense changes on protein structure and function are either unavailable or do not agree on the potential impact of this missense change (SIFT: "Deleterious"; PolyPhen-2: "Probably Damaging"; Align-GVGD: "Class C0"). ClinVar contains an entry for this variant (Variation ID: 1414952). This variant has not been reported in the literature in individuals affected with ANK2-related conditions. This variant is not present in population databases (gnomAD no frequency). This sequence change replaces histidine, which is basic and polar, with arginine, which is basic and polar, at codon 374 of the ANK2 protein (p.His374Arg).

NM_001148.6(ANK2):c.1121A>G (p.His374Arg)

Gene: ANK2 (ankyrin 2; plus strand). Cytogenetic location: 4q26.
Variant type: single nucleotide variant.
Coding change: c.1121A>G on transcript NM_001148.6 (MANE Select); coding-DNA position 1121, A replaced by G.
Protein change: p.His374Arg; replaces histidine 374 with arginine.
Molecular consequence: missense variant.
Genome position (GRCh38, 1-based): chr4:113,255,865, A>G. VCF-style: chr4-113255865-A-G. GRCh37 (hg19) VCF-style: chr4-114177021-A-G.
Other names: c.1058A>G, p.His353Arg (NM_001127493.3, NM_001354239.2, NM_001354243.2 and 14 more transcripts); c.1121A>G, p.His374Arg (NM_001354225.2, NM_001354228.2, NM_001354232.2 and 9 more transcripts); c.1166A>G, p.His389Arg (NM_001354230.2, NM_001354231.2, NM_001354237.2 and 5 more transcripts); c.1034A>G, p.His345Arg (NM_001354249.2, NM_001354260.2, NM_001354264.2 and 16 more transcripts); c.1079A>G, p.His360Arg (NM_001354261.2, NM_001386147.1, NM_001386160.1); c.1109A>G, p.His370Arg (NM_001354269.3, NM_001386148.2, NM_001386186.2); c.1172A>G, p.His391Arg (NM_001386174.1); c.1148A>G, p.His383Arg (NM_001386175.1); and 1 more; short protein forms H370R, H389R, H345R, H374R, H391R, H353R, H383R, H360R.
Identifiers: ClinVar variation 1414952 (VCV001414952.8), dbSNP rs2153626751, ClinGen allele CA357926854.